The following is an entry in ClinVar:

ClinVar aggregate classification (germline): Uncertain significance (1 of 4 stars; one submission).

Conditions:
Hereditary cancer-predisposing syndrome. Also called: Hereditary neoplastic syndrome; Neoplastic Syndromes, Hereditary; Tumor predisposition; Hereditary Cancer Syndrome. Identifiers: Orphanet 140162, MedGen C0027672, MeSH D009386, MONDO:0015356.

Submission:

Ambry Genetics
Classification: Uncertain significance for Hereditary cancer-predisposing syndrome. Last evaluated: 2025-08-27. Review status: criteria provided, single submitter. Criteria: Ambry Variant Classification Scheme 2023. Collection method: clinical testing. Allele origin: germline.
Comment: The p.Q299L variant (also known as c.896A>T), located in coding exon 10 of the MUTYH gene, results from an A to T substitution at nucleotide position 896. The glutamine at codon 299 is replaced by leucine, an amino acid with dissimilar properties. This amino acid position is conserved. In addition, the in silico prediction for this alteration is inconclusive. Based on the available evidence, the clinical significance of this variant remains unclear.

NM_001048174.2(MUTYH):c.812A>T (p.Gln271Leu)

Gene: MUTYH (mutY DNA glycosylase; minus strand). Cytogenetic location: 1p34.1.
Variant type: single nucleotide variant.
Coding change: c.812A>T on transcript NM_001048174.2 (MANE Select); coding-DNA position 812, A replaced by T.
Protein change: p.Gln271Leu; replaces glutamine 271 with leucine.
Molecular consequence: missense variant. On other transcripts: non-coding transcript variant (7).
Genome position (GRCh38, 1-based): chr1:45,332,203, T>A on the plus strand (A>T on the coding strand, the complement: MUTYH is on the minus strand). VCF-style: chr1-45332203-T-A. GRCh37 (hg19) VCF-style: chr1-45797875-T-A.
Other names: c.815A>T, p.Gln272Leu (NM_001048172.2, NM_001407071.1, NM_001407078.1 and 1 more transcripts); c.812A>T, p.Gln271Leu (NM_001048173.2, NM_001407070.1, NM_001407072.1 and 6 more transcripts); c.467A>T, p.Gln156Leu (NM_001350651.2, NM_001350650.2, NM_001407082.1); c.845A>T, p.Gln282Leu (NM_001407069.1, NM_001407077.1, NM_001293191.2); c.728A>T, p.Gln243Leu (NM_001407075.1); c.773A>T, p.Gln258Leu (NM_001407079.1); c.536A>T, p.Gln179Leu (NM_001407091.1, NM_001293192.2, NM_001293196.2); c.887A>T, p.Gln296Leu (NM_012222.3); and 5 more; short protein forms Q243L, Q257L, Q258L, Q278L, Q282L, Q299L, Q272L, Q296L.
Identifiers: ClinVar variation 4113892 (VCV004113892.1).